The following is an entry in ClinVar:

NM_080425.4(GNAS):c.2069-5306C>T

Gene: GNAS (GNAS complex locus; plus strand). Cytogenetic location: 20q13.32.
Variant type: single nucleotide variant.
Coding change: c.2069-5306C>T on transcript NM_080425.4 (MANE Plus Clinical); 5306 bases into the intron before coding-DNA position 2069, C replaced by T.
Molecular consequence: intron variant.
Genome position (GRCh38, 1-based): chr20:58,890,306, C>T. VCF-style: chr20-58890306-C-T. GRCh37 (hg19) VCF-style: chr20-57465361-C-T.
Other names: c.*43-5306C>T (NM_016592.5); c.44-5306C>T (NM_001410912.1); c.-38-5306C>T (NM_001309861.2); c.*1-5306C>T (NM_001077490.3); c.2069-5306C>T (NM_001410913.1); c.*159-5306C>T (NM_001309883.1); c.-39+953C>T (NM_001438273.1, NM_001309840.2); c.-39+974C>T (NM_001439291.1, NM_001438274.1).
Identifiers: ClinVar variation 2672881 (VCV002672881.21), dbSNP rs1297258620, ClinGen allele CA746042440.

ClinVar aggregate classification (germline): Likely benign (1 of 4 stars; one submission).

Allele frequency attached by ClinVar (database versions not stated): TOPMed below 0.00001.

Submission:

CeGaT Center for Human Genetics Tuebingen
Classification: Likely benign. Last evaluated: 2023-11-01. Review status: criteria provided, single submitter. Criteria: CeGaT Center For Human Genetics Tuebingen Variant Classification Criteria Version 2. Collection method: clinical testing. Allele origin: germline. Affected: yes. Observed: 1 variant allele.
Comment: GNAS: PM2:Supporting, BP4, BP7